The following is an entry in ClinVar:

ClinVar aggregate classification (germline): Conflicting classifications of pathogenicity. Review status: criteria provided, conflicting classifications (1 of 4 stars). 3 submissions from 3 submitters: Likely pathogenic (1); Uncertain significance (1). 1 of the submissions does not count toward it. Last evaluated 2026-01-04.

Conditions:
Autosomal recessive limb-girdle muscular dystrophy type 2D (LGMDR3). Also called: MUSCULAR DYSTROPHY, LIMB-GIRDLE, AUTOSOMAL RECESSIVE 3; ADHALINOPATHY, PRIMARY; DUCHENNE-LIKE AUTOSOMAL RECESSIVE MUSCULAR DYSTROPHY, TYPE 2. Identifiers: Orphanet 62, MedGen C2936332, MONDO:0011968, OMIM 608099. Disease mechanism: Affects gamma-sarcoglycan and also disrupts the integrity of the entire sarcoglycan complex..

Allele frequency attached by ClinVar (database versions not stated): TOPMed 0.00001; 1000 Genomes Project 30x 0.00016; 1000 Genomes Project 0.00020.
gnomAD v4.1: 78 of 1,614,186 alleles (0.0048%); highest among the groups gnomAD compares: Non-Finnish European, 0.0064%; no homozygotes.

Submissions (3):

Labcorp Genetics (formerly Invitae), Labcorp
Classification: Likely pathogenic for Autosomal recessive limb-girdle muscular dystrophy type 2D. Last evaluated: 2026-01-04. Review status: criteria provided, single submitter. Criteria: Invitae Variant Classification Sherloc (09022015). Collection method: clinical testing. Allele origin: germline.
Comment: This sequence change replaces arginine, which is basic and polar, with glycine, which is neutral and non-polar, at codon 284 of the SGCA protein (p.Arg284Gly). This variant is present in population databases (rs137852623, gnomAD 0.006%). This variant has not been reported in the literature in individuals affected with SGCA-related conditions. ClinVar contains an entry for this variant (Variation ID: 972430). Invitae Evidence Modeling of protein sequence and biophysical properties (such as structural, functional, and spatial information, amino acid conservation, physicochemical variation, residue mobility, and thermodynamic stability) indicates that this missense variant is expected to disrupt SGCA protein function with a positive predictive value of 95%. This variant disrupts the p.Arg284 amino acid residue in SGCA. Other variant(s) that disrupt this residue have been determined to be pathogenic (PMID: 9192266, 18285821, 18421900, 25135358, 26404900, 26453141). This suggests that this residue is clinically significant, and that variants that disrupt this residue are likely to be disease-causing. In summary, the currently available evidence indicates that the variant is pathogenic, but additional data are needed to prove that conclusively. Therefore, this variant has been classified as Likely Pathogenic.

Revvity Omics, Revvity
Classification: Uncertain significance for Autosomal recessive limb-girdle muscular dystrophy type 2D. Last evaluated: 2023-08-04. Review status: criteria provided, single submitter. Criteria: ACMG Guidelines, 2015. Collection method: clinical testing. Allele origin: germline.

Natera, Inc.
Classification: Uncertain significance for Limb-girdle muscular dystrophy type 2D. Last evaluated: 2020-11-23. Review status: no assertion criteria provided. Collection method: clinical testing. Allele origin: germline. Not counted in ClinVar's aggregate classification.

Literature cited by the submitters: PubMed 9192266 (cited by Labcorp Genetics (formerly Invitae), Labcorp); PubMed 18285821 (cited by Labcorp Genetics (formerly Invitae), Labcorp); PubMed 18421900 (cited by Labcorp Genetics (formerly Invitae), Labcorp); PubMed 25135358 (cited by Labcorp Genetics (formerly Invitae), Labcorp); PubMed 26404900 (cited by Labcorp Genetics (formerly Invitae), Labcorp); PubMed 26453141 (cited by Labcorp Genetics (formerly Invitae), Labcorp).

NM_000023.4(SGCA):c.850C>G (p.Arg284Gly)

Gene: SGCA (sarcoglycan alpha; plus strand). Cytogenetic location: 17q21.33.
Variant type: single nucleotide variant.
Coding change: c.850C>G on transcript NM_000023.4 (MANE Select); coding-DNA position 850, C replaced by G.
Protein change: p.Arg284Gly; replaces arginine 284 with glycine.
Molecular consequence: missense variant. On other transcripts: intron variant (1).
Genome position (GRCh38, 1-based): chr17:50,170,245, C>G. VCF-style: chr17-50170245-C-G. GRCh37 (hg19) VCF-style: chr17-48247606-C-G.
Other names: c.585-395C>G (NM_001135697.3); short protein forms R284G.
Identifiers: ClinVar variation 972430 (VCV000972430.12), dbSNP rs137852623, ClinGen allele CA8643929.
Genomic context (GRCh38, chr17:50,170,245, plus strand): 5'-CCAGGTGATGGGATCCTGGAGCATGACCCGTTCTTCTGCCCACCCACTGAGGCCCCAGAC[C>G]GTGACTTCTTGGTGGATGCTCTGGTCACCCTCCTGGTGCCCCTGCTGGTGGCCCTGCTTC-3'
Protein context (NP_000014.1, residues 274-294): FFCPPTEAPD[Arg284Gly]DFLVDALVTL